The following is an entry in ClinVar:

NM_000017.4(ACADS):c.707C>T (p.Ser236Leu)

Gene: ACADS (acyl-CoA dehydrogenase short chain; plus strand). Cytogenetic location: 12q24.31.
Variant type: single nucleotide variant.
Coding change: c.707C>T on transcript NM_000017.4 (MANE Select); coding-DNA position 707, C replaced by T.
Protein change: p.Ser236Leu; replaces serine 236 with leucine.
Molecular consequence: missense variant.
Genome position (GRCh38, 1-based): chr12:120,738,362, C>T. VCF-style: chr12-120738362-C-T. GRCh37 (hg19) VCF-style: chr12-121176165-C-T.
Other names: c.695C>T, p.Ser232Leu (NM_001302554.2); short protein forms S236L, S232L.
Identifiers: ClinVar variation 3719879 (VCV003719879.2).

ClinVar aggregate classification (germline): Uncertain significance (1 of 4 stars; one submission).

Conditions:
Deficiency of butyryl-CoA dehydrogenase (ACADSD). Also called: Short-Chain Acyl-CoA Dehydrogenase Deficiency; SCAD DEFICIENCY, MILD; ACYL-CoA DEHYDROGENASE, SHORT-CHAIN, DEFICIENCY OF; SCAD Deficiency; ACADS DEFICIENCY; SCADH DEFICIENCY. Identifiers: Orphanet 26792, MedGen C0342783, MONDO:0008722, OMIM 201470. Disease mechanism: May be benign.

gnomAD v4.1: 24 of 1,614,174 alleles (0.0015%); highest among the groups gnomAD compares: Non-Finnish European, 0.0019%; no homozygotes.

Submission:

Labcorp Genetics (formerly Invitae), Labcorp
Classification: Uncertain significance for Deficiency of butyryl-CoA dehydrogenase. Last evaluated: 2024-02-26. Review status: criteria provided, single submitter. Criteria: Invitae Variant Classification Sherloc (09022015). Collection method: clinical testing. Allele origin: germline.
Comment: This sequence change replaces serine, which is neutral and polar, with leucine, which is neutral and non-polar, at codon 236 of the ACADS protein (p.Ser236Leu). This variant is present in population databases (rs778800901, gnomAD 0.004%). This variant has not been reported in the literature in individuals affected with ACADS-related conditions. Advanced modeling of protein sequence and biophysical properties (such as structural, functional, and spatial information, amino acid conservation, physicochemical variation, residue mobility, and thermodynamic stability) has been performed at Invitae for this missense variant, however the output from this modeling did not meet the statistical confidence thresholds required to predict the impact of this variant on ACADS protein function. In summary, the available evidence is currently insufficient to determine the role of this variant in disease. Therefore, it has been classified as a Variant of Uncertain Significance.